The following is an entry in ClinVar:

ClinVar aggregate classification (germline): Uncertain significance (1 of 4 stars; one submission).

Allele frequency attached by ClinVar (database versions not stated): gnomAD exomes below 0.00001.
gnomAD v4.1: 1 of 1,610,254 alleles (0.000062%); highest among the groups gnomAD compares: Non-Finnish European, 0.000085%; no homozygotes.

Submission:

GeneDx
Classification: Uncertain significance. Last evaluated: 2022-01-05. Review status: criteria provided, single submitter. Criteria: GeneDx Variant Classification Process June 2021. Collection method: clinical testing. Allele origin: germline. Affected: yes.
Comment: Not observed at significant frequency in large population cohorts (gnomAD); In silico analysis supports that this missense variant has a deleterious effect on protein structure/function; Has not been previously published as pathogenic or benign to our knowledge

NM_032492.4(JAGN1):c.37G>A (p.Asp13Asn)

Gene: JAGN1 (jagunal homolog 1; plus strand). Cytogenetic location: 3p25.3.
Variant type: single nucleotide variant.
Coding change: c.37G>A on transcript NM_032492.4 (MANE Select); coding-DNA position 37, G replaced by A.
Protein change: p.Asp13Asn; replaces aspartic acid 13 with asparagine.
Molecular consequence: missense variant. On other transcripts: 5 prime UTR variant (1).
Genome position (GRCh38, 1-based): chr3:9,890,759, G>A. VCF-style: chr3-9890759-G-A. GRCh37 (hg19) VCF-style: chr3-9932443-G-A.
Other names: c.-232G>A (NM_001363890.1); short protein forms D13N.
Identifiers: ClinVar variation 1695578 (VCV001695578.2), dbSNP rs2125060281, ClinGen allele CA351711754.